The following is an entry in ClinVar:

NM_000256.3(MYBPC3):c.1375C>G (p.Pro459Ala)

Gene: MYBPC3 (myosin binding protein C3; minus strand). Cytogenetic location: 11p11.2.
Variant type: single nucleotide variant.
Coding change: c.1375C>G on transcript NM_000256.3 (MANE Select); coding-DNA position 1375, C replaced by G.
Protein change: p.Pro459Ala; replaces proline 459 with alanine.
Molecular consequence: missense variant.
Genome position (GRCh38, 1-based): chr11:47,342,912, G>C on the plus strand (C>G on the coding strand, the complement: MYBPC3 is on the minus strand). VCF-style: chr11-47342912-G-C. GRCh37 (hg19) VCF-style: chr11-47364463-G-C.
Other names: short protein forms P459A.
Identifiers: ClinVar variation 920457 (VCV000920457.9), dbSNP rs758901980, ClinGen allele CA380326282.

ClinVar aggregate classification (germline): Uncertain significance. Review status: criteria provided, multiple submitters, no conflicts (2 of 4 stars). 2 submissions from 2 submitters: Uncertain significance (2). Last evaluated 2023-12-05.

Conditions:
Cardiomyopathy (CMYO). Also called: Cardiomyopathies. Identifiers: Orphanet 167848, MedGen C0878544, MONDO:0004994, HP:0001638. Inheritance: Various modes of inheritance.
Hypertrophic cardiomyopathy. Also called: HYPERTROPHIC MYOCARDIOPATHY. Identifiers: Orphanet 217569, MedGen C0007194, MeSH D002312, MONDO:0005045, HP:0001639.

gnomAD v4.1: 10 of 1,612,328 alleles (0.00062%); highest among the groups gnomAD compares: Non-Finnish European, 0.00076%; no homozygotes.

Submissions (2):

Color Diagnostics, LLC DBA Color Health
Classification: Uncertain significance for Cardiomyopathy. Last evaluated: 2023-12-05. Review status: criteria provided, single submitter. Criteria: ACMG Guidelines, 2015. Collection method: clinical testing. Allele origin: germline.
Comment: This missense variant replaces proline with alanine at codon 459 of the MYBPC3 protein. Computational prediction tools and conservation analyses suggest that this variant may not impact the protein function. Computational splicing tools suggest that this variant may not impact RNA splicing. To our knowledge, functional assays have not been performed for this variant nor has this variant been reported in individuals affected with cardiovascular disorders in the literature. This variant has not been identified in the general population by the Genome Aggregation Database (gnomAD). Available evidence is insufficient to determine the role of this variant in disease conclusively. Therefore, this variant is classified as a Variant of Uncertain Significance.

Labcorp Genetics (formerly Invitae), Labcorp
Classification: Uncertain significance for Hypertrophic cardiomyopathy. Last evaluated: 2022-06-19. Review status: criteria provided, single submitter. Criteria: Invitae Variant Classification Sherloc (09022015). Collection method: clinical testing. Allele origin: germline.
Comment: In summary, the available evidence is currently insufficient to determine the role of this variant in disease. Therefore, it has been classified as a Variant of Uncertain Significance. Algorithms developed to predict the effect of missense changes on protein structure and function output the following: SIFT: "Tolerated"; PolyPhen-2: "Benign"; Align-GVGD: "Class C0". The alanine amino acid residue is found in multiple mammalian species, which suggests that this missense change does not adversely affect protein function. ClinVar contains an entry for this variant (Variation ID: 920457). This variant has not been reported in the literature in individuals affected with MYBPC3-related conditions. This variant is not present in population databases (gnomAD no frequency). This sequence change replaces proline, which is neutral and non-polar, with alanine, which is neutral and non-polar, at codon 459 of the MYBPC3 protein (p.Pro459Ala).